The following is an entry in ClinVar:

NM_004621.6(TRPC6):c.808T>A (p.Ser270Thr)

Gene: TRPC6 (transient receptor potential cation channel subfamily C member 6; minus strand). Cytogenetic location: 11q22.1.
Variant type: single nucleotide variant.
Coding change: c.808T>A on transcript NM_004621.6 (MANE Select); coding-DNA position 808, T replaced by A.
Protein change: p.Ser270Thr; replaces serine 270 with threonine.
Molecular consequence: missense variant.
Genome position (GRCh38, 1-based): chr11:101,504,161, A>T on the plus strand (T>A on the coding strand, the complement: TRPC6 is on the minus strand). VCF-style: chr11-101504161-A-T. GRCh37 (hg19) VCF-style: chr11-101374892-A-T.
Other names: short protein forms S270T.
Identifiers: ClinVar variation 6153 (VCV000006153.3), dbSNP rs121434392, ClinGen allele CA117979.
Genomic context (GRCh38, chr11:101,504,161, plus strand): 5'-TAGACAATGACAGGTAAGCCGGACTTGCCAGGCCTTTATAGGCATTAATCCTAGATCTGG[A>T]GTGGCTAAACGAGTCATGCTTCTGTTTCTGGTTGCAGTCATTGCACTTGCAGAAATAATC-3'
Protein context (NP_004612.2, residues 260-280): QKQKHDSFSH[Ser270Thr]RSRINAYKGL

ClinVar aggregate classification (germline): Uncertain significance. Review status: criteria provided, single submitter (1 of 4 stars). 2 submissions from 2 submitters: Uncertain significance (1). 1 of the submissions does not count toward it. Last evaluated 2026-02-05.

Conditions:
Focal segmental glomerulosclerosis 2 (FSGS2). Identifiers: Orphanet 656, MedGen C1858915, MONDO:0011390, OMIM 603965.

Submissions (2):

MVZ Medizinische Genetik Mainz
Classification: Uncertain significance for Focal segmental glomerulosclerosis 2. Last evaluated: 2026-02-05. Review status: criteria provided, single submitter. Criteria: UK Practice Guidelines For Variant Classification V4 01 2020. Collection method: clinical testing. Allele origin: germline. Inheritance: Autosomal dominant inheritance. Affected: yes. Observed: 1 variant allele.
Comment: ACMG Criteria: PP3_MOD,PS3_SUP,PS4_SUP,PM2_SUP

OMIM
Classification: Pathogenic for FOCAL SEGMENTAL GLOMERULOSCLEROSIS 2. Last evaluated: 2005-07-01. Review status: no assertion criteria provided. Collection method: literature only. Allele origin: germline. Not counted in ClinVar's aggregate classification.

Literature cited by the submitters: PubMed 15924139 (cited by OMIM).